The following is an entry in ClinVar:

ClinVar aggregate classification (germline): Uncertain significance (1 of 4 stars; one submission).

Conditions:
Early-infantile DEE. Also called: Ohtahara syndrome; Early infantile epileptic encephalopathy with suppression bursts; Early infantile epileptic encephalopathy. Identifiers: Orphanet 1934, MedGen C0393706, MONDO:0800491.

Submission:

Labcorp Genetics (formerly Invitae), Labcorp
Classification: Uncertain significance for Early-infantile DEE. Last evaluated: 2022-08-26. Review status: criteria provided, single submitter. Criteria: Invitae Variant Classification Sherloc (09022015). Collection method: clinical testing. Allele origin: germline.
Comment: In summary, the available evidence is currently insufficient to determine the role of this variant in disease. Therefore, it has been classified as a Variant of Uncertain Significance. Algorithms developed to predict the effect of missense changes on protein structure and function (SIFT, PolyPhen-2, Align-GVGD) all suggest that this variant is likely to be disruptive. This variant has not been reported in the literature in individuals affected with SPTAN1-related conditions. This variant is not present in population databases (gnomAD no frequency). This sequence change replaces arginine, which is basic and polar, with lysine, which is basic and polar, at codon 2069 of the SPTAN1 protein (p.Arg2069Lys).

NM_001130438.3(SPTAN1):c.6206G>A (p.Arg2069Lys)

Gene: SPTAN1 (spectrin alpha, non-erythrocytic 1; plus strand). Cytogenetic location: 9q34.11.
Variant type: single nucleotide variant.
Coding change: c.6206G>A on transcript NM_001130438.3 (MANE Select); coding-DNA position 6206, G replaced by A.
Protein change: p.Arg2069Lys; replaces arginine 2069 with lysine.
Molecular consequence: missense variant.
Genome position (GRCh38, 1-based): chr9:128,625,905, G>A. VCF-style: chr9-128625905-G-A. GRCh37 (hg19) VCF-style: chr9-131388184-G-A.
Other names: c.6131G>A, p.Arg2044Lys (NM_001195532.2); c.6206G>A, p.Arg2069Lys (NM_001363759.2, NM_001375310.1, NM_001375311.2 and 1 more transcripts); c.6146G>A, p.Arg2049Lys (NM_001363765.2, NM_001375314.2); c.6242G>A, p.Arg2081Lys (NM_001375312.2, NM_001375318.1); c.6191G>A, p.Arg2064Lys (NM_003127.4); short protein forms R2044K, R2064K, R2069K, R2081K, R2049K.
Identifiers: ClinVar variation 2093990 (VCV002093990.4), dbSNP rs2542190848, ClinGen allele CA375087036.